The following is an entry in ClinVar:

ClinVar aggregate classification (germline): Benign (0 of 4 stars; one submission).

Conditions:
OPTC-related disorder. Also called: OPTC-related condition.

Allele frequency attached by ClinVar (database versions not stated): ExAC 0.00116; 1000 Genomes Project 30x 0.00172; 1000 Genomes Project 0.00180; gnomAD 0.00379; ESP Exome Variant Server 0.00446; TOPMed 0.00451.

Submission:

PreventionGenetics, part of Exact Sciences
Classification: Benign for OPTC-related condition. Last evaluated: 2019-09-18. Review status: no assertion criteria provided. Collection method: clinical testing. Allele origin: germline.
Comment: This variant is classified as benign based on ACMG/AMP sequence variant interpretation guidelines (Richards et al. 2015 PMID: 25741868, with internal and published modifications).

NM_014359.4(OPTC):c.500G>A (p.Arg167His)

Gene: OPTC (opticin; plus strand). Cytogenetic location: 1q32.1.
Variant type: single nucleotide variant.
Coding change: c.500G>A on transcript NM_014359.4 (MANE Select); coding-DNA position 500, G replaced by A.
Protein change: p.Arg167His; replaces arginine 167 with histidine.
Molecular consequence: missense variant.
Genome position (GRCh38, 1-based): chr1:203,498,810, G>A. VCF-style: chr1-203498810-G-A. GRCh37 (hg19) VCF-style: chr1-203467938-G-A.
Other names: short protein forms R167H.
Identifiers: ClinVar variation 3040832 (VCV003040832.2), dbSNP rs114769450, ClinGen allele CA1341053.